The following is an entry in ClinVar:

ClinVar aggregate classification (germline): Uncertain significance. Review status: criteria provided, multiple submitters, no conflicts (2 of 4 stars). 2 submissions from 2 submitters: Uncertain significance (2). Last evaluated 2024-04-15.

Conditions:
Hereditary cancer-predisposing syndrome. Also called: Tumor predisposition; Hereditary Cancer Syndrome; Hereditary neoplastic syndrome; Neoplastic Syndromes, Hereditary. Identifiers: Orphanet 140162, MedGen C0027672, MeSH D009386, MONDO:0015356.
Gastrointestinal stromal tumor. Also called: Gastrointestinal stroma tumor; Gastrointestinal stromal tumor, somatic. Identifiers: Orphanet 44890, MedGen C0238198, MeSH D046152, MONDO:0011719, OMIM 606764, HP:0100723.

Submissions (2):

Labcorp Genetics (formerly Invitae), Labcorp
Classification: Uncertain significance for Gastrointestinal stromal tumor. Last evaluated: 2024-04-15. Review status: criteria provided, single submitter. Criteria: Invitae Variant Classification Sherloc (09022015). Collection method: clinical testing. Allele origin: germline.
Comment: This sequence change replaces lysine, which is basic and polar, with arginine, which is basic and polar, at codon 265 of the PDGFRA protein (p.Lys265Arg). This variant is not present in population databases (gnomAD no frequency). This variant has not been reported in the literature in individuals affected with PDGFRA-related conditions. ClinVar contains an entry for this variant (Variation ID: 1415106). Advanced modeling of protein sequence and biophysical properties (such as structural, functional, and spatial information, amino acid conservation, physicochemical variation, residue mobility, and thermodynamic stability) performed at Invitae indicates that this missense variant is not expected to disrupt PDGFRA protein function with a negative predictive value of 80%. In summary, the available evidence is currently insufficient to determine the role of this variant in disease. Therefore, it has been classified as a Variant of Uncertain Significance.

Ambry Genetics
Classification: Uncertain significance for Hereditary cancer-predisposing syndrome. Last evaluated: 2022-09-11. Review status: criteria provided, single submitter. Criteria: Ambry Variant Classification Scheme 2023. Collection method: clinical testing. Allele origin: germline.
Comment: The p.K265R variant (also known as c.794A>G), located in coding exon 5 of the PDGFRA gene, results from an A to G substitution at nucleotide position 794. The lysine at codon 265 is replaced by arginine, an amino acid with highly similar properties. This amino acid position is conserved. In addition, this alteration is predicted to be tolerated by in silico analysis. Since supporting evidence is limited at this time, the clinical significance of this alteration remains unclear.

NM_006206.6(PDGFRA):c.794A>G (p.Lys265Arg)

Gene: PDGFRA (platelet derived growth factor receptor alpha; plus strand). Cytogenetic location: 4q12.
Variant type: single nucleotide variant.
Coding change: c.794A>G on transcript NM_006206.6 (MANE Select); coding-DNA position 794, A replaced by G.
Protein change: p.Lys265Arg; replaces lysine 265 with arginine.
Molecular consequence: missense variant.
Genome position (GRCh38, 1-based): chr4:54,267,323, A>G. VCF-style: chr4-54267323-A-G. GRCh37 (hg19) VCF-style: chr4-55133490-A-G.
Other names: c.794A>G, p.Lys265Arg (NM_001347827.2, NM_001347829.2); c.869A>G, p.Lys290Arg (NM_001347828.2); c.833A>G, p.Lys278Arg (NM_001347830.2); short protein forms K290R, K265R, K278R.
Identifiers: ClinVar variation 1415106 (VCV001415106.10), dbSNP rs1723082425, ClinGen allele CA356891126.
Genomic context (GRCh38, chr4:54,267,323, plus strand): 5'-TCGGTTTTCTTCCCCTTTTGCTGTAGAAAGGCAAAGGCATCACAATGCTGGAAGAAATCA[A>G]AGTCCCATCCATCAAATTGGTGTACACTTTGACGGTCCCCGAGGCCACGGTGAAAGACAG-3'
Protein context (NP_006197.1, residues 255-275): GKGITMLEEI[Lys265Arg]VPSIKLVYTL